The following is an entry in ClinVar:

ClinVar aggregate classification (germline): Uncertain significance (1 of 4 stars; one submission).

gnomAD v4.1: 1 of 1,577,928 alleles (0.000063%); highest among the groups gnomAD compares: Non-Finnish European, 0.000086%; no homozygotes.

Submission:

GeneDx
Classification: Uncertain significance. Last evaluated: 2026-03-16. Review status: criteria provided, single submitter. Criteria: GeneDx Variant Classification Process June 2021. Collection method: clinical testing. Allele origin: germline.
Comment: Not observed at significant frequency in large population cohorts (gnomAD); In silico analysis supports that this missense variant has a deleterious effect on protein structure/function; Has not been previously published as pathogenic or benign to our knowledge

NM_005257.6(GATA6):c.1193C>A (p.Thr398Lys)

Gene: GATA6 (GATA binding protein 6; plus strand). Cytogenetic location: 18q11.2.
Variant type: single nucleotide variant.
Coding change: c.1193C>A on transcript NM_005257.6 (MANE Select); coding-DNA position 1193, C replaced by A.
Protein change: p.Thr398Lys; replaces threonine 398 with lysine.
Molecular consequence: missense variant.
Genome position (GRCh38, 1-based): chr18:22,177,012, C>A. VCF-style: chr18-22177012-C-A. GRCh37 (hg19) VCF-style: chr18-19756973-C-A.
Other names: short protein forms T398K.
Identifiers: ClinVar variation 5009278 (VCV005009278.1).